The following is an entry in ClinVar:

ClinVar aggregate classification (germline): Conflicting classifications of pathogenicity. Review status: criteria provided, conflicting classifications (1 of 4 stars). 7 submissions from 7 submitters: Uncertain significance (2); Benign (1); Likely benign (4). Last evaluated 2026-08-01.

Conditions:
Fanconi anemia complementation group P. Also called: SLX4-Related Fanconi Anemia. Identifiers: Orphanet 84, MedGen C3469542, MONDO:0013499, OMIM 613951.
Fanconi anemia (FA). Also called: Fanconi's anemia. Identifiers: Orphanet 84, MedGen C0015625, MeSH D005199, MONDO:0019391.

Allele frequency attached by ClinVar (database versions not stated): ESP Exome Variant Server 0.00008; gnomAD 0.00011 and 0.00020; TOPMed 0.00012; 1000 Genomes Project 30x 0.00031; 1000 Genomes Project 0.00040; gnomAD exomes 0.00063; ExAC 0.00071.
gnomAD v4.1: 492 of 1,614,180 alleles (0.03%); highest among the groups gnomAD compares: South Asian, 0.35%; 3 homozygotes.

Submissions (9):

CeGaT Center for Human Genetics Tuebingen
Classification: Likely benign. Last evaluated: 2026-08-01. Review status: criteria provided, single submitter. Criteria: CeGaT Center For Human Genetics Tuebingen Variant Classification Criteria Version 2. Collection method: clinical testing. Allele origin: germline. Affected: yes. Observed: 2 variant alleles.
Comment: SLX4: BP4, BS2

Labcorp Genetics (formerly Invitae), Labcorp
Classification: Benign for Fanconi anemia. Last evaluated: 2026-01-19. Review status: criteria provided, single submitter. Criteria: Invitae Variant Classification Sherloc (09022015). Collection method: clinical testing. Allele origin: germline.

Blueprint Genetics
Classification: Likely benign. Last evaluated: 2024-11-26. Review status: criteria provided, single submitter. Criteria: ACMG Guidelines, 2015. Collection method: clinical testing. Allele origin: germline.

KCCC/NGS Laboratory, Kuwait Cancer Control Center
Classification: Likely benign for Fanconi anemia complementation group P. Last evaluated: 2023-07-07. Review status: criteria provided, single submitter. Criteria: ACMG Guidelines, 2015. Collection method: clinical testing. Allele origin: germline. Affected: yes.

Sema4
Classification: Likely benign for Fanconi anemia. Last evaluated: 2022-02-27. Review status: criteria provided, single submitter. Criteria: Sema4 Curation Guidelines. Collection method: curation. Allele origin: germline.

Baylor Genetics
Classification: Uncertain significance for Fanconi anemia complementation group P. Last evaluated: 2019-01-15. Review status: criteria provided, single submitter. Criteria: ACMG Guidelines, 2015. Collection method: clinical testing. Allele origin: maternal. Affected: yes. Study: CSER-TexasKidsCanSeq.
Comment: This variant was determined to be of uncertain significance according to ACMG Guidelines, 2015 [PMID:25741868]. Both variants have been previously reported in breast cancer patients [PMID 21805310, 22401137, 27153395, 23840564, 22383991]

Illumina Laboratory Services, Illumina
Classification: Uncertain significance for Fanconi anemia complementation group P. Last evaluated: 2017-04-27. Review status: criteria provided, single submitter. Criteria: ICSL Variant Classification Criteria 13 December 2019. Collection method: clinical testing. Allele origin: germline.
Comment: This variant was observed as part of a predisposition screen in an ostensibly healthy population. A literature search was performed for the gene, cDNA change, and amino acid change (where applicable). Publications were found based on this search. However, the evidence from the literature, in combination with allele frequency data from public databases where available, was not sufficient to rule this variant in or out of causing disease. Therefore, this variant is classified as a variant of unknown significance.

Dr. Peter K. Rogan Lab, Western University
No classification provided (evidence only). Condition: Familial cancer of breast. Review status: no classification provided. Collection method: in vitro. Allele origin: not applicable. Functional consequence: retained intron. Not counted in ClinVar's aggregate classification.

Dr. Peter K. Rogan Lab, Western University
No classification provided (evidence only). Condition: Thyroid cancer, nonmedullary, 1. Review status: no classification provided. Collection method: in vitro. Allele origin: not applicable. Functional consequence: retained intron. Not counted in ClinVar's aggregate classification.

Literature cited by the submitters: PubMed 22383991 (cited by 3 submitters); PubMed 28678401 (cited by Sema4); PubMed 32546565 (cited by Sema4); PubMed 21805310 (cited by Baylor Genetics); PubMed 22401137 (cited by Baylor Genetics); PubMed 27153395 (cited by Baylor Genetics); PubMed 23840564 (cited by Baylor Genetics).

NM_032444.4(SLX4):c.833G>A (p.Arg278Gln)

Gene: SLX4 (SLX4 structure-specific endonuclease subunit; minus strand). Cytogenetic location: 16p13.3.
Variant type: single nucleotide variant.
Coding change: c.833G>A on transcript NM_032444.4 (MANE Select); coding-DNA position 833, G replaced by A.
Protein change: p.Arg278Gln; replaces arginine 278 with glutamine.
Molecular consequence: missense variant.
Genome position (GRCh38, 1-based): chr16:3,602,235, C>T on the plus strand (G>A on the coding strand, the complement: SLX4 is on the minus strand). VCF-style: chr16-3602235-C-T. GRCh37 (hg19) VCF-style: chr16-3652236-C-T.
Other names: c.833G>A (LRG_503t1); short protein forms R278Q.
Identifiers: ClinVar variation 456339 (VCV000456339.54), dbSNP rs201192909, ClinGen allele CA7866728.